The following is an entry in ClinVar:

NM_001377.3(DYNC2H1):c.2479A>G (p.Ile827Val)

Gene: DYNC2H1 (dynein cytoplasmic 2 heavy chain 1; plus strand). Cytogenetic location: 11q22.3.
Variant type: single nucleotide variant.
Coding change: c.2479A>G on transcript NM_001377.3 (MANE Select); coding-DNA position 2479, A replaced by G.
Protein change: p.Ile827Val; replaces isoleucine 827 with valine.
Molecular consequence: missense variant.
Genome position (GRCh38, 1-based): chr11:103,135,853, A>G. VCF-style: chr11-103135853-A-G. GRCh37 (hg19) VCF-style: chr11-103006582-A-G.
Other names: c.2479A>G, p.Ile827Val (NM_001080463.2); short protein forms I827V.
Identifiers: ClinVar variation 302020 (VCV000302020.37), dbSNP rs201224700, ClinGen allele CA6253048.
Genomic context (GRCh38, chr11:103,135,853, plus strand): 5'-ATCGGCATTCCAAATCAGTTTAAGGGAGTGGGTGAGGCAGGAGATGAATCTATTTTTTCT[A>G]TTATGATTGATAGAAATGCAAGTGGATTTTTGACGATTTTCAGCAAAGCAGAAGATCTGT-3'
Protein context (NP_001368.2, residues 817-837): GEAGDESIFS[Ile827Val]MIDRNASGFL

ClinVar aggregate classification (germline): Conflicting classifications of pathogenicity. Review status: criteria provided, conflicting classifications (1 of 4 stars). 4 submissions from 4 submitters: Uncertain significance (1); Likely benign (3). Last evaluated 2026-01-18.

Conditions:
Asphyxiating thoracic dystrophy 3. Also called: SHORT-RIB THORACIC DYSPLASIA 3 WITH OR WITHOUT POLYDACTYLY; POLYDACTYLY WITH NEONATAL CHONDRODYSTROPHY, TYPE I; SHORT-RIB THORACIC DYSPLASIA 3/6 WITH POLYDACTYLY, DIGENIC; Short rib polydactyly syndrome 2B; Saldino-Noonan Syndrome. Identifiers: Orphanet 474, Orphanet 93269, Orphanet 93270, Orphanet 93271, MedGen C0036069, MONDO:0013127, OMIM 613091.
Inborn genetic diseases. Identifiers: MedGen C0950123, MeSH D030342.
Jeune thoracic dystrophy. Also called: Short-rib thoracic dysplasia; Infantile thoracic dystrophy; Thoracic pelvic phalangeal dystrophy; Jeune's syndrome; Chondroectodermal dysplasia-like syndrome; Jeune syndrome. Identifiers: Orphanet 474, MedGen C0265275, MONDO:0018770.

Allele frequency attached by ClinVar (database versions not stated): gnomAD exomes 0.00006 and 0.00014; ExAC 0.00008; gnomAD 0.00009; TOPMed 0.00009; ESP Exome Variant Server 0.00017.
gnomAD v4.1: 113 of 1,613,032 alleles (0.007%); highest among the groups gnomAD compares: Admixed American, 0.023%; no homozygotes.

Submissions (4):

Labcorp Genetics (formerly Invitae), Labcorp
Classification: Likely benign for Jeune thoracic dystrophy. Last evaluated: 2026-01-18. Review status: criteria provided, single submitter. Criteria: Invitae Variant Classification Sherloc (09022015). Collection method: clinical testing. Allele origin: germline.

CeGaT Center for Human Genetics Tuebingen
Classification: Likely benign. Last evaluated: 2023-11-01. Review status: criteria provided, single submitter. Criteria: CeGaT Center For Human Genetics Tuebingen Variant Classification Criteria Version 2. Collection method: clinical testing. Allele origin: germline. Affected: yes. Observed: 1 variant allele.
Comment: DYNC2H1: BP4

Ambry Genetics
Classification: Likely benign for Inborn genetic diseases. Last evaluated: 2021-08-02. Review status: criteria provided, single submitter. Criteria: Ambry Variant Classification Scheme 2023. Collection method: clinical testing. Allele origin: germline.

Illumina Laboratory Services, Illumina
Classification: Uncertain significance for Asphyxiating thoracic dystrophy 3. Last evaluated: 2018-01-12. Review status: criteria provided, single submitter. Criteria: ICSL Variant Classification Criteria 13 December 2019. Collection method: clinical testing. Allele origin: germline.